The following is an entry in ClinVar:

NM_001322934.2(NFKB2):c.1625T>C (p.Val542Ala)

Gene: NFKB2 (nuclear factor kappa B subunit 2; plus strand). Cytogenetic location: 10q24.32.
Variant type: single nucleotide variant.
Coding change: c.1625T>C on transcript NM_001322934.2 (MANE Select); coding-DNA position 1625, T replaced by C.
Protein change: p.Val542Ala; replaces valine 542 with alanine.
Molecular consequence: missense variant.
Genome position (GRCh38, 1-based): chr10:102,400,318, T>C. VCF-style: chr10-102400318-T-C. GRCh37 (hg19) VCF-style: chr10-104160075-T-C.
Other names: c.1625T>C, p.Val542Ala (NM_001077493.1, NM_001077494.3, NM_001261403.3 and 2 more transcripts); c.1499T>C, p.Val500Ala (NM_001322935.1); short protein forms V542A, V500A.
Identifiers: ClinVar variation 1947204 (VCV001947204.5), dbSNP rs1397494683, ClinGen allele CA377901613.
Genomic context (GRCh38, chr10:102,400,318, plus strand): 5'-CACCCTGCTTTCATCCCCAGACGCCCCTGCACCTGGCGGTGATCACGGGGCAGACGAGTG[T>C]GGTGAGCTTTCTGCTGCGGGTAGGTGCAGACCCAGCTCTGCTGGATCGGCATGGAGACTC-3'
Protein context (NP_001309863.1, residues 532-552): HLAVITGQTS[Val542Ala]VSFLLRVGAD

ClinVar aggregate classification (germline): Uncertain significance (1 of 4 stars; one submission).

Conditions:
Immunodeficiency, common variable, 10. Also called: IMMUNODEFICIENCY, COMMON VARIABLE, WITH CENTRAL ADRENAL INSUFFICIENCY; DEFICIT IN ANTERIOR PITUITARY FUNCTION AND VARIABLE IMMUNODEFICIENCY. Identifiers: MedGen C3809991, MONDO:0014260, OMIM 615577.

Allele frequency attached by ClinVar (database versions not stated): gnomAD exomes below 0.00001; gnomAD 0.00001.

Submission:

Labcorp Genetics (formerly Invitae), Labcorp
Classification: Uncertain significance for Immunodeficiency, common variable, 10. Last evaluated: 2022-05-30. Review status: criteria provided, single submitter. Criteria: Invitae Variant Classification Sherloc (09022015). Collection method: clinical testing. Allele origin: germline.
Comment: This variant is present in population databases (no rsID available, gnomAD 0.007%). This sequence change replaces valine, which is neutral and non-polar, with alanine, which is neutral and non-polar, at codon 542 of the NFKB2 protein (p.Val542Ala). This variant has not been reported in the literature in individuals affected with NFKB2-related conditions. In summary, the available evidence is currently insufficient to determine the role of this variant in disease. Therefore, it has been classified as a Variant of Uncertain Significance. Algorithms developed to predict the effect of missense changes on protein structure and function are either unavailable or do not agree on the potential impact of this missense change (SIFT: "Deleterious"; PolyPhen-2: "Probably Damaging"; Align-GVGD: "Class C0").